The following is an entry in ClinVar:

NM_000337.6(SGCD):c.274A>C (p.Lys92Gln)

Gene: SGCD (sarcoglycan delta; plus strand). Cytogenetic location: 5q33.3.
Variant type: single nucleotide variant.
Coding change: c.274A>C on transcript NM_000337.6 (MANE Select); coding-DNA position 274, A replaced by C.
Protein change: p.Lys92Gln; replaces lysine 92 with glutamine.
Molecular consequence: missense variant.
Genome position (GRCh38, 1-based): chr5:156,508,682, A>C. VCF-style: chr5-156508682-A-C. GRCh37 (hg19) VCF-style: chr5-155935692-A-C.
Other names: c.271A>C, p.Lys91Gln (NM_001128209.2); c.274A>C, p.Lys92Gln (NM_172244.3); short protein forms K91Q, K92Q.
Identifiers: ClinVar variation 1060764 (VCV001060764.6), dbSNP rs1159364901, ClinGen allele CA362008093.

ClinVar aggregate classification (germline): Uncertain significance. Review status: criteria provided, multiple submitters, no conflicts (2 of 4 stars). 4 submissions from 3 submitters: Uncertain significance (4). Last evaluated 2023-02-08.

Conditions:
Cardiomyopathy (CMYO). Also called: Cardiomyopathies. Identifiers: Orphanet 167848, MedGen C0878544, MONDO:0004994, HP:0001638. Inheritance: Various modes of inheritance.
Autosomal recessive limb-girdle muscular dystrophy type 2F (LGMDR6). Also called: MUSCULAR DYSTROPHY, LIMB-GIRDLE, AUTOSOMAL RECESSIVE 6; Muscular dystrophy limb-girdle with delta-sarcoglyan deficiency. Identifiers: Orphanet 219, MedGen C1832525, MONDO:0011028, OMIM 601287. Disease mechanism: Affects gamma-sarcoglycan and also disrupts the integrity of the entire sarcoglycan complex..
Dilated cardiomyopathy 1L (CMD1L). Identifiers: Orphanet 154, MedGen C1847667, MONDO:0011702, OMIM 606685.

Allele frequency attached by ClinVar (database versions not stated): gnomAD exomes below 0.00001.
gnomAD v4.1: 1 of 1,602,932 alleles (0.000062%); highest among the groups gnomAD compares: Admixed American, 0.0017%; no homozygotes.

Submissions (4):

Genome-Nilou Lab
Classification: Uncertain significance for Autosomal recessive limb-girdle muscular dystrophy type 2F. Last evaluated: 2023-02-08. Review status: criteria provided, single submitter. Criteria: ACMG Guidelines, 2015. Collection method: clinical testing. Allele origin: germline.

Genome-Nilou Lab
Classification: Uncertain significance for Dilated cardiomyopathy 1L. Last evaluated: 2023-02-08. Review status: criteria provided, single submitter. Criteria: ACMG Guidelines, 2015. Collection method: clinical testing. Allele origin: germline.

Labcorp Genetics (formerly Invitae), Labcorp
Classification: Uncertain significance for Autosomal recessive limb-girdle muscular dystrophy type 2F. Last evaluated: 2022-08-09. Review status: criteria provided, single submitter. Criteria: Invitae Variant Classification Sherloc (09022015). Collection method: clinical testing. Allele origin: germline.
Comment: This sequence change replaces lysine, which is basic and polar, with glutamine, which is neutral and polar, at codon 92 of the SGCD protein (p.Lys92Gln). The frequency data for this variant in the population databases is considered unreliable, as metrics indicate poor data quality at this position in the gnomAD database. This variant has not been reported in the literature in individuals affected with SGCD-related conditions. ClinVar contains an entry for this variant (Variation ID: 1060764). Algorithms developed to predict the effect of missense changes on protein structure and function (SIFT, PolyPhen-2, Align-GVGD) all suggest that this variant is likely to be tolerated. In summary, the available evidence is currently insufficient to determine the role of this variant in disease. Therefore, it has been classified as a Variant of Uncertain Significance.

CHEO Genetics Diagnostic Laboratory, Children's Hospital of Eastern Ontario
Classification: Uncertain significance for Cardiomyopathy. Last evaluated: 2020-02-12. Review status: criteria provided, single submitter. Criteria: ACMG Guidelines, 2015. Collection method: clinical testing. Allele origin: germline.